The following is an entry in ClinVar:

ClinVar aggregate classification (germline): Likely benign. Review status: criteria provided, multiple submitters, no conflicts (2 of 4 stars). 5 submissions from 5 submitters: Likely benign (5). Last evaluated 2026-08-08.

Conditions:
KDM1A-related disorder. Also called: KDM1A-related condition.
Inborn genetic diseases. Identifiers: MedGen C0950123, MeSH D030342.

Allele frequency attached by ClinVar (database versions not stated): gnomAD exomes 0.00015; TOPMed 0.00015; ExAC 0.00016; gnomAD 0.00025.
gnomAD v4.1: 256 of 1,565,990 alleles (0.016%); highest among the groups gnomAD compares: Non-Finnish European, 0.02%; no homozygotes.

Submissions (5):

PreventionGenetics, part of Exact Sciences
Classification: Likely benign for KDM1A-related condition. Last evaluated: 2026-08-08. Review status: criteria provided, single submitter. Criteria: ACMG Guidelines, 2015. Collection method: clinical testing. Allele origin: germline.
Comment: This variant is classified as likely benign based on ACMG/AMP sequence variant interpretation guidelines (Richards et al. 2015 PMID: 25741868, with internal and published modifications).

Labcorp Genetics (formerly Invitae), Labcorp
Classification: Likely benign. Last evaluated: 2025-12-08. Review status: criteria provided, single submitter. Criteria: Invitae Variant Classification Sherloc (09022015). Collection method: clinical testing. Allele origin: germline.

CeGaT Center for Human Genetics Tuebingen
Classification: Likely benign. Last evaluated: 2025-01-01. Review status: criteria provided, single submitter. Criteria: CeGaT Center For Human Genetics Tuebingen Variant Classification Criteria Version 2. Collection method: clinical testing. Allele origin: germline. Affected: yes. Observed: 1 variant allele.
Comment: KDM1A: BP4, BP7

Ambry Genetics
Classification: Likely benign for Inborn genetic diseases. Last evaluated: 2024-10-15. Review status: criteria provided, single submitter. Criteria: Ambry Variant Classification Scheme 2023. Collection method: clinical testing. Allele origin: germline.

Blueprint Genetics
Classification: Likely benign. Last evaluated: 2024-08-20. Review status: criteria provided, single submitter. Criteria: ACMG Guidelines, 2015. Collection method: clinical testing. Allele origin: germline.

NM_001009999.3(KDM1A):c.786T>C (p.Tyr262=)

Gene: KDM1A (lysine demethylase 1A; plus strand). Cytogenetic location: 1p36.12.
Variant type: single nucleotide variant.
Coding change: c.786T>C on transcript NM_001009999.3 (MANE Select); coding-DNA position 786, T replaced by C.
Protein change: p.Tyr262=; no amino-acid change (tyrosine 262 retained).
Molecular consequence: synonymous variant.
Genome position (GRCh38, 1-based): chr1:23,053,835, T>C. VCF-style: chr1-23053835-T-C. GRCh37 (hg19) VCF-style: chr1-23380328-T-C.
Other names: c.726T>C, p.Tyr242= (NM_001363654.2, NM_001410763.1, NM_015013.4); c.786T>C, p.Tyr262= (NM_001410762.1); c.786T>C (NM_001009999.2).
Identifiers: ClinVar variation 2416834 (VCV002416834.23), dbSNP rs770475359, ClinGen allele CA679539.